The following is an entry in ClinVar:

NM_003803.4(MYOM1):c.290+1G>C

Gene: MYOM1 (myomesin 1; minus strand). Cytogenetic location: 18p11.31.
Variant type: single nucleotide variant.
Coding change: c.290+1G>C on transcript NM_003803.4 (MANE Select); the canonical splice donor site of the intron after coding-DNA position 290, G replaced by C.
Molecular consequence: splice donor variant.
Genome position (GRCh38, 1-based): chr18:3,214,933, C>G on the plus strand (G>C on the coding strand, the complement: MYOM1 is on the minus strand). VCF-style: chr18-3214933-C-G. GRCh37 (hg19) VCF-style: chr18-3214931-C-G.
Other names: c.290+1G>C (NM_019856.2).
Identifiers: ClinVar variation 2740774 (VCV002740774.3), dbSNP rs774510887, ClinGen allele CA295537312.

ClinVar aggregate classification (germline): Uncertain significance (1 of 4 stars; one submission).

Conditions:
Hypertrophic cardiomyopathy. Also called: HYPERTROPHIC MYOCARDIOPATHY. Identifiers: Orphanet 217569, MedGen C0007194, MeSH D002312, MONDO:0005045, HP:0001639.

gnomAD v4.1: 8 of 1,591,634 alleles (0.0005%); highest among the groups gnomAD compares: Non-Finnish European, 0.00069%; no homozygotes.

Submission:

Labcorp Genetics (formerly Invitae), Labcorp
Classification: Uncertain significance for Hypertrophic cardiomyopathy. Last evaluated: 2023-01-18. Review status: criteria provided, single submitter. Criteria: Invitae Variant Classification Sherloc (09022015). Collection method: clinical testing. Allele origin: germline.
Comment: This sequence change affects a donor splice site in intron 2 of the MYOM1 gene. It is expected to disrupt RNA splicing. Variants that disrupt the donor or acceptor splice site typically lead to a loss of protein function (PMID: 16199547), however the current clinical and genetic evidence is not sufficient to establish whether loss-of-function variants in MYOM1 cause disease. This variant is present in population databases (no rsID available, gnomAD 0.001%). This variant has not been reported in the literature in individuals affected with MYOM1-related conditions. Algorithms developed to predict the effect of sequence changes on RNA splicing suggest that this variant may disrupt the consensus splice site. In summary, the available evidence is currently insufficient to determine the role of this variant in disease. Therefore, it has been classified as a Variant of Uncertain Significance.

Literature cited by the submitters: PubMed 16199547.